The following is an entry in ClinVar:

ClinVar aggregate classification (germline): Conflicting classifications of pathogenicity. Review status: criteria provided, conflicting classifications (1 of 4 stars). 2 submissions from 2 submitters: Uncertain significance (1); Likely benign (1). Last evaluated 2025-03-14.

Conditions:
ABCB11-related disorder. Also called: ABCB11-related condition.

Allele frequency attached by ClinVar (database versions not stated): gnomAD 0.00001; gnomAD exomes 0.00001 and 0.00004; TOPMed 0.00001; ExAC 0.00006.
gnomAD v4.1: 11 of 1,589,542 alleles (0.00069%); highest among the groups gnomAD compares: Admixed American, 0.016%; no homozygotes.

Submissions (2):

PreventionGenetics, part of Exact Sciences
Classification: Likely benign for ABCB11-related condition. Last evaluated: 2025-03-14. Review status: criteria provided, single submitter. Criteria: ACMG Guidelines, 2015. Collection method: clinical testing. Allele origin: germline.
Comment: This variant is classified as likely benign based on ACMG/AMP sequence variant interpretation guidelines (Richards et al. 2015 PMID: 25741868, with internal and published modifications).

Eurofins Ntd Llc (ga)
Classification: Uncertain significance. Last evaluated: 2017-06-29. Review status: criteria provided, single submitter. Criteria: EGL Classification Definitions 2015. Collection method: clinical testing. Allele origin: germline. Observed: 2 variant alleles, 2 heterozygotes.

NM_003742.4(ABCB11):c.2439A>G (p.Gln813=)

Gene: ABCB11 (ATP binding cassette subfamily B member 11; minus strand). Cytogenetic location: 2q31.1.
Variant type: single nucleotide variant.
Coding change: c.2439A>G on transcript NM_003742.4 (MANE Select); coding-DNA position 2439, A replaced by G.
Protein change: p.Gln813=; no amino-acid change (glutamine 813 retained).
Molecular consequence: synonymous variant.
Genome position (GRCh38, 1-based): chr2:168,944,866, T>C on the plus strand (A>G on the coding strand, the complement: ABCB11 is on the minus strand). VCF-style: chr2-168944866-T-C. GRCh37 (hg19) VCF-style: chr2-169801376-T-C.
Other names: c.2439A>G (NM_003742.2); c.2439A>G, p.Gln813= (LRG_1199t1).
Identifiers: ClinVar variation 502790 (VCV000502790.6), dbSNP rs776712250, ClinGen allele CA1951285.